The following is an entry in ClinVar:

NM_032119.4(ADGRV1):c.12598G>T (p.Glu4200Ter)

Gene: ADGRV1 (adhesion G protein-coupled receptor V1; plus strand). Cytogenetic location: 5q14.3.
Variant type: single nucleotide variant.
Coding change: c.12598G>T on transcript NM_032119.4 (MANE Select); coding-DNA position 12598, G replaced by T.
Protein change: p.Glu4200Ter; replaces glutamic acid 4200 with a stop codon.
Molecular consequence: nonsense. On other transcripts: non-coding transcript variant (1).
Genome position (GRCh38, 1-based): chr5:90,777,975, G>T. VCF-style: chr5-90777975-G-T. GRCh37 (hg19) VCF-style: chr5-90073792-G-T.
Other names: short protein forms E4200*.
Identifiers: ClinVar variation 3717089 (VCV003717089.2).

ClinVar aggregate classification (germline): Pathogenic (1 of 4 stars; one submission).

Submission:

Labcorp Genetics (formerly Invitae), Labcorp
Classification: Pathogenic. Last evaluated: 2024-11-04. Review status: criteria provided, single submitter. Criteria: Invitae Variant Classification Sherloc (09022015). Collection method: clinical testing. Allele origin: germline.
Comment: This sequence change creates a premature translational stop signal (p.Glu4200*) in the ADGRV1 gene. It is expected to result in an absent or disrupted protein product. Loss-of-function variants in ADGRV1 are known to be pathogenic (PMID: 19357117, 22135276, 22147658, 26226137, 30718709, 31047384, 32467589). This variant is not present in population databases (gnomAD no frequency). This variant has not been reported in the literature in individuals affected with ADGRV1-related conditions. Algorithms developed to predict the effect of sequence changes on RNA splicing suggest that this variant may disrupt the consensus splice site. For these reasons, this variant has been classified as Pathogenic.

Literature cited by the submitters: PubMed 19357117; PubMed 22135276; PubMed 22147658; PubMed 26226137; PubMed 30718709; PubMed 31047384; PubMed 32467589.